The following is an entry in ClinVar:

NM_015450.3(POT1):c.1108_1109del (p.Lys370fs)

Gene: POT1 (protection of telomeres 1; minus strand). Cytogenetic location: 7q31.33.
Variant type: Deletion.
Coding change: c.1108_1109del on transcript NM_015450.3 (MANE Select); coding-DNA positions 1108 to 1109, 2 bases deleted (AA; older notation c.1108_1109delAA).
Protein change: p.Lys370fs; shifts the reading frame from lysine 370.
Molecular consequence: frameshift variant. On other transcripts: non-coding transcript variant (3).
Genome position (GRCh38, 1-based): chr7:124,842,861-124,842,862, TT deleted on the plus strand (AA on the coding strand, the reverse complement: POT1 is on the minus strand). VCF-style (leftmost placement, unchanged base first): chr7-124842860-CTT-C. GRCh37 (hg19) VCF-style: chr7-124482914-CTT-C.
Other names: c.715_716del, p.Lys239fs (NM_001042594.2); short protein forms K239fs, K370fs.
Identifiers: ClinVar variation 5038369 (VCV005038369.1).

ClinVar aggregate classification (germline): Likely pathogenic (1 of 4 stars; one submission).

Conditions:
Tumor predisposition syndrome 3 (TPDS3). Also called: Glioma susceptibility 9; LONG TELOMERE SYNDROME, POT1-RELATED; POT1 Tumor Predisposition; Melanoma, cutaneous malignant, susceptibility to, 10. Identifiers: Orphanet 618, MedGen C4014476, MONDO:0014368, OMIM 615848.

Submission:

St. Jude Molecular Pathology, St. Jude Children's Research Hospital
Classification: Likely pathogenic for Tumor predisposition syndrome 3. Last evaluated: 2026-10-01. Review status: criteria provided, single submitter. Criteria: St. Jude Assertion Criteria 2020. Collection method: clinical testing. Allele origin: germline.
Comment: The POT1 c.1108_1109del p.(Lys370AlafsTer9) change deletes two nucleotides to cause a frameshift an d the creation of a premature stop codon. This change is predicted to cause protein truncation or absence of protein due to nonsense-mediated decay. To our knowledge, this variant has not been reported in the literature in individuals with POT1-associate d conditions. This variant is absent in gnomAD v2.1.1. In summary, this variant meets criteria to be classified as likely pathogenic.Ã¢ € ¯